The following is an entry in ClinVar:

NM_206933.4(USH2A):c.4490C>T (p.Ser1497Phe)

Gene: USH2A (usherin; minus strand). Cytogenetic location: 1q41.
Variant type: single nucleotide variant.
Coding change: c.4490C>T on transcript NM_206933.4 (MANE Select); coding-DNA position 4490, C replaced by T.
Protein change: p.Ser1497Phe; replaces serine 1497 with phenylalanine.
Molecular consequence: missense variant.
Genome position (GRCh38, 1-based): chr1:216,175,389, G>A on the plus strand (C>T on the coding strand, the complement: USH2A is on the minus strand). VCF-style: chr1-216175389-G-A. GRCh37 (hg19) VCF-style: chr1-216348731-G-A.
Other names: c.4490C>T, p.Ser1497Phe (NM_007123.6); short protein forms S1497F.
Identifiers: ClinVar variation 596733 (VCV000596733.13), dbSNP rs755482100, ClinGen allele CA1395702.
Genomic context (GRCh38, chr1:216,175,389, plus strand): 5'-ATCATCGTGGTCATCAGAGCTGGTAGAGATGACTCTCTCCTTTCCAGCTGATATATAGGA[G>A]AGGGTCCATTCAGTTCTTCAGGTGGAAACCACCTAAGATGGATTGTTGTGCTGTTGATTC-3'
Protein context (NP_996816.3, residues 1487-1507): WFPPEELNGP[Ser1497Phe]PIYQLERRES

ClinVar aggregate classification (germline): Uncertain significance. Review status: criteria provided, multiple submitters, no conflicts (2 of 4 stars). 6 submissions from 5 submitters: Uncertain significance (5). 1 of the submissions does not count toward it. Last evaluated 2024-10-24.

Conditions:
Retinitis pigmentosa 39 (RP39). Identifiers: Orphanet 791, MedGen C3151138, MONDO:0013436, OMIM 613809.
Usher syndrome type 2A. Also called: RETINAL DISEASE IN USHER SYNDROME TYPE IIA, MODIFIER OF; USHER SYNDROME, TYPE IIA. Identifiers: Orphanet 231178, Orphanet 886, MedGen C1848634, MONDO:0010169, OMIM 276901.

Allele frequency attached by ClinVar (database versions not stated): ExAC 0.00001; gnomAD 0.00001; TOPMed 0.00001; gnomAD exomes 0.00002.
gnomAD v4.1: 9 of 1,613,650 alleles (0.00056%); highest among the groups gnomAD compares: Admixed American, 0.013%; no homozygotes.

Submissions (6):

Labcorp Genetics (formerly Invitae), Labcorp
Classification: Uncertain significance. Last evaluated: 2024-10-24. Review status: criteria provided, single submitter. Criteria: Invitae Variant Classification Sherloc (09022015). Collection method: clinical testing. Allele origin: germline.
Comment: This sequence change replaces serine, which is neutral and polar, with phenylalanine, which is neutral and non-polar, at codon 1497 of the USH2A protein (p.Ser1497Phe). This variant is present in population databases (rs755482100, gnomAD 0.01%). This variant has not been reported in the literature in individuals affected with USH2A-related conditions. ClinVar contains an entry for this variant (Variation ID: 596733). Invitae Evidence Modeling of protein sequence and biophysical properties (such as structural, functional, and spatial information, amino acid conservation, physicochemical variation, residue mobility, and thermodynamic stability) indicates that this missense variant is not expected to disrupt USH2A protein function with a negative predictive value of 95%. In summary, the available evidence is currently insufficient to determine the role of this variant in disease. Therefore, it has been classified as a Variant of Uncertain Significance.

Genome-Nilou Lab
Classification: Uncertain significance for Retinitis pigmentosa 39. Last evaluated: 2023-11-04. Review status: criteria provided, single submitter. Criteria: ACMG Guidelines, 2015. Collection method: clinical testing. Allele origin: germline. Affected: no.

Genome-Nilou Lab
Classification: Uncertain significance for Usher syndrome type 2A. Last evaluated: 2023-11-04. Review status: criteria provided, single submitter. Criteria: ACMG Guidelines, 2015. Collection method: clinical testing. Allele origin: germline. Affected: no.

Blueprint Genetics
Classification: Uncertain significance. Last evaluated: 2021-02-04. Review status: criteria provided, single submitter. Criteria: ACMG Guidelines, 2015. Collection method: clinical testing. Allele origin: germline.

Eurofins Ntd Llc (ga)
Classification: Uncertain significance. Last evaluated: 2018-04-16. Review status: criteria provided, single submitter. Criteria: EGL ClinVar v180209 classification definitions. Collection method: clinical testing. Allele origin: germline. Observed: 1 variant allele, 1 heterozygote.

Natera, Inc.
Classification: Uncertain significance for Usher syndrome type 2A. Last evaluated: 2019-11-11. Review status: no assertion criteria provided. Collection method: clinical testing. Allele origin: germline. Not counted in ClinVar's aggregate classification.